The following is an entry in ClinVar:

ClinVar aggregate classification (germline): Uncertain significance (1 of 4 stars; one submission).

Allele frequency attached by ClinVar (database versions not stated): gnomAD 0.00001; TOPMed 0.00001; ExAC 0.00003.
gnomAD v4.1: 12 of 1,611,330 alleles (0.00074%); highest among the groups gnomAD compares: South Asian, 0.0055%; no homozygotes.

Submission:

Labcorp Genetics (formerly Invitae), Labcorp
Classification: Uncertain significance. Last evaluated: 2023-07-19. Review status: criteria provided, single submitter. Criteria: Invitae Variant Classification Sherloc (09022015). Collection method: clinical testing. Allele origin: germline.
Comment: In summary, the available evidence is currently insufficient to determine the role of this variant in disease. Therefore, it has been classified as a Variant of Uncertain Significance. Algorithms developed to predict the effect of missense changes on protein structure and function output the following: SIFT: "Not Available"; PolyPhen-2: "Benign"; Align-GVGD: "Not Available". The tryptophan amino acid residue is found in multiple mammalian species, which suggests that this missense change does not adversely affect protein function. This variant has not been reported in the literature in individuals affected with FAM186B-related conditions. This variant is present in population databases (rs773097118, gnomAD 0.007%). This sequence change replaces arginine, which is basic and polar, with tryptophan, which is neutral and slightly polar, at codon 545 of the FAM186B protein (p.Arg545Trp).

NM_032130.3(FAM186B):c.1633C>T (p.Arg545Trp)

Gene: FAM186B (family with sequence similarity 186 member B; minus strand). Cytogenetic location: 12q13.12.
Variant type: single nucleotide variant.
Coding change: c.1633C>T on transcript NM_032130.3 (MANE Select); coding-DNA position 1633, C replaced by T.
Protein change: p.Arg545Trp; replaces arginine 545 with tryptophan.
Molecular consequence: missense variant. On other transcripts: non-coding transcript variant (1).
Genome position (GRCh38, 1-based): chr12:49,600,007, G>A on the plus strand (C>T on the coding strand, the complement: FAM186B is on the minus strand). VCF-style: chr12-49600007-G-A. GRCh37 (hg19) VCF-style: chr12-49993790-G-A.
Other names: short protein forms R545W.
Identifiers: ClinVar variation 2719955 (VCV002719955.3), dbSNP rs773097118, ClinGen allele CA6554653.